The following is an entry in ClinVar:

ClinVar aggregate classification (germline): Uncertain significance (1 of 4 stars; one submission).

Conditions:
Inborn genetic diseases. Identifiers: MedGen C0950123, MeSH D030342.

Submission:

Ambry Genetics
Classification: Uncertain significance for Inborn genetic diseases. Last evaluated: 2024-12-09. Review status: criteria provided, single submitter. Criteria: Ambry Variant Classification Scheme 2023. Collection method: clinical testing. Allele origin: germline.
Comment: The p.A254G variant (also known as c.761C>G), located in coding exon 1 of the SMAD6 gene, results from a C to G substitution at nucleotide position 761. The alanine at codon 254 is replaced by glycine, an amino acid with similar properties. This amino acid position is conserved. In addition, this alteration is predicted to be tolerated by in silico analysis. Based on the available evidence, the clinical significance of this variant remains unclear.

NM_005585.5(SMAD6):c.761C>G (p.Ala254Gly)

Gene: SMAD6 (SMAD family member 6; plus strand). Cytogenetic location: 15q22.31.
Variant type: single nucleotide variant.
Coding change: c.761C>G on transcript NM_005585.5 (MANE Select); coding-DNA position 761, C replaced by G.
Protein change: p.Ala254Gly; replaces alanine 254 with glycine.
Molecular consequence: missense variant. On other transcripts: non-coding transcript variant (1).
Genome position (GRCh38, 1-based): chr15:66,704,019, C>G. VCF-style: chr15-66704019-C-G. GRCh37 (hg19) VCF-style: chr15-66996357-C-G.
Other names: short protein forms A254G.
Identifiers: ClinVar variation 3445913 (VCV003445913.1).